The following is an entry in ClinVar:

NM_002485.5(NBN):c.2080C>T (p.Pro694Ser)

Gene: NBN (nibrin; minus strand). Cytogenetic location: 8q21.3.
Variant type: single nucleotide variant.
Coding change: c.2080C>T on transcript NM_002485.5 (MANE Select); coding-DNA position 2080, C replaced by T.
Protein change: p.Pro694Ser; replaces proline 694 with serine.
Molecular consequence: missense variant.
Genome position (GRCh38, 1-based): chr8:89,943,357, G>A on the plus strand (C>T on the coding strand, the complement: NBN is on the minus strand). VCF-style: chr8-89943357-G-A. GRCh37 (hg19) VCF-style: chr8-90955585-G-A.
Other names: c.1834C>T, p.Pro612Ser (NM_001024688.3); short protein forms P694S, P612S.
Identifiers: ClinVar variation 661186 (VCV000661186.8), dbSNP rs1586035536, ClinGen allele CA371675874.

ClinVar aggregate classification (germline): Uncertain significance (1 of 4 stars; one submission).

Conditions:
Microcephaly, normal intelligence and immunodeficiency (NBS). Also called: Microcephaly with normal intelligence immunodeficiency and lymphoreticular malignancies; Nonsyndromal microcephaly autosomal recessive with normal intelligence; Seemanova syndrome 2; Immunodeficiency, microcephaly with normal intelligence; SEEMANOVA SYNDROME II; Ataxia telangiectasia variant V1. Identifiers: Orphanet 647, MedGen C0398791, MONDO:0009623, OMIM 251260.

Allele frequency attached by ClinVar (database versions not stated): gnomAD exomes below 0.00001.
gnomAD v4.1: 1 of 1,602,364 alleles (0.000062%); highest among the groups gnomAD compares: Non-Finnish European, 0.000085%; no homozygotes.

Submission:

Labcorp Genetics (formerly Invitae), Labcorp
Classification: Uncertain significance for Microcephaly, normal intelligence and immunodeficiency. Last evaluated: 2018-11-07. Review status: criteria provided, single submitter. Criteria: Invitae Variant Classification Sherloc (09022015). Collection method: clinical testing. Allele origin: germline.
Comment: This sequence change replaces proline with serine at codon 694 of the NBN protein (p.Pro694Ser). The proline residue is moderately conserved and there is a moderate physicochemical difference between proline and serine. This variant is not present in population databases (ExAC no frequency). In summary, the available evidence is currently insufficient to determine the role of this variant in disease. Therefore, it has been classified as a Variant of Uncertain Significance. Algorithms developed to predict the effect of missense changes on protein structure and function output the following: SIFT: "Tolerated"; PolyPhen-2: "Possibly Damaging"; Align-GVGD: "Class C0". The serine amino acid residue is found in multiple mammalian species, suggesting that this missense change does not adversely affect protein function. These predictions have not been confirmed by published functional studies and their clinical significance is uncertain. This variant has not been reported in the literature in individuals with NBN-related disease.